The following is an entry in ClinVar:

NM_000500.9(CYP21A2):c.310A>C (p.Asn104His)

Genes: CYP21A2 (cytochrome P450 family 21 subfamily A member 2; plus strand), LOC106780800 (CYP21A2 recombination region; plus strand). Cytogenetic location: 6p21.33.
Variant type: single nucleotide variant.
Coding change: c.310A>C on transcript NM_000500.9 (MANE Select); coding-DNA position 310, A replaced by C.
Protein change: p.Asn104His; replaces asparagine 104 with histidine.
Molecular consequence: missense variant. On other transcripts: 5 prime UTR variant (2).
Genome position (GRCh38, 1-based): chr6:32,039,111, A>C. VCF-style: chr6-32039111-A-C. GRCh37 (hg19) VCF-style: chr6-32006888-A-C.
Other names: c.220A>C, p.Asn74His (NM_001128590.4); c.-96A>C (NM_001368143.2, NM_001368144.2); short protein forms N104H, N74H.
Identifiers: ClinVar variation 4986087 (VCV004986087.1).

ClinVar aggregate classification (germline): Uncertain significance (1 of 4 stars; one submission).

Conditions:
CYP21A2-related disorder. Also called: CYP21A2-related condition.

Submission:

PreventionGenetics, part of Exact Sciences
Classification: Uncertain significance for CYP21A2-related condition. Last evaluated: 2025-06-03. Review status: criteria provided, single submitter. Criteria: ACMG Guidelines, 2015. Collection method: clinical testing. Allele origin: germline.
Comment: The CYP21A2 c.310A>C variant is predicted to result in the amino acid substitution p.Asn104His. To our knowledge, this variant has not been reported in the literature or in a large population database (gnomAD), indicating this variant is rare. At this time, the clinical significance of this variant is uncertain due to the absence of conclusive functional and genetic evidence.